The following is an entry in ClinVar:

NM_000135.2(FANCA):c.(?_-42)_597-800del

Gene: FANCA (FA complementation group A; minus strand). Cytogenetic location: 16q24.3.
Variant type: Deletion.
Identifiers: ClinVar variation 974078 (VCV000974078.1).

ClinVar aggregate classification (germline): Pathogenic (0 of 4 stars; one submission).

Conditions:
Fanconi anemia complementation group A (FANCA). Also called: Fanconi anemia, group A; FANCA-Related Fanconi Anemia. Identifiers: Orphanet 84, MedGen C3469521, MONDO:0009215, OMIM 227650.

Submission:

Leiden Open Variation Database
Classification: Pathogenic for Fanconi anemia complementation group A. Last evaluated: 2020-02-28. Review status: no assertion criteria provided. Collection method: curation. Allele origin: germline. Affected: yes.
Comment: Curator: Arleen D. Auerbach. Submitter to LOVD: Arleen D. Auerbach.

Literature cited by the submitters: PubMed 25168418.